The following is an entry in ClinVar:

ClinVar aggregate classification (germline): Uncertain significance. Review status: criteria provided, multiple submitters, no conflicts (2 of 4 stars). 3 submissions from 3 submitters: Uncertain significance (3). Last evaluated 2025-07-01.

Conditions:
Myelodysplastic syndrome (MDS). Also called: Myelodysplastic syndromes; Myelodysplastic syndrome, somatic; MYELODYSPLASTIC SYNDROME, SUSCEPTIBILITY TO. Identifiers: Orphanet 52688, MedGen C3463824, MeSH D009190, MONDO:0018881, OMIM 614286.
Immunodeficiency 75. Also called: IMMUNODEFICIENCY 75 WITH LYMPHOPROLIFERATION. Identifiers: Orphanet 664729, MedGen C5436860, MONDO:0030858, OMIM 619126.

gnomAD v4.1: 21 of 1,551,594 alleles (0.0014%); highest among the groups gnomAD compares: Non-Finnish European, 0.0015%; no homozygotes.

Submissions (3):

CeGaT Center for Human Genetics Tuebingen
Classification: Uncertain significance. Last evaluated: 2025-07-01. Review status: criteria provided, single submitter. Criteria: CeGaT Center For Human Genetics Tuebingen Variant Classification Criteria Version 2. Collection method: clinical testing. Allele origin: germline. Affected: yes. Observed: 1 variant allele.
Comment: TET2: PM2

Labcorp Genetics (formerly Invitae), Labcorp
Classification: Uncertain significance. Last evaluated: 2024-08-04. Review status: criteria provided, single submitter. Criteria: Invitae Variant Classification Sherloc (09022015). Collection method: clinical testing. Allele origin: germline.
Comment: This sequence change replaces histidine, which is basic and polar, with tyrosine, which is neutral and polar, at codon 1380 of the TET2 protein (p.His1380Tyr). This variant is present in population databases (rs577810844, gnomAD 0.006%). This variant has not been reported in the literature in individuals affected with TET2-related conditions. An algorithm developed to predict the effect of missense changes on protein structure and function (PolyPhen-2) suggests that this variant is likely to be disruptive. In summary, the available evidence is currently insufficient to determine the role of this variant in disease. Therefore, it has been classified as a Variant of Uncertain Significance.

Fulgent Genetics
Classification: Uncertain significance for Myelodysplastic syndrome; Immunodeficiency 75. Last evaluated: 2024-05-10. Review status: criteria provided, single submitter. Criteria: ACMG Guidelines, 2015. Collection method: clinical testing. Allele origin: germline.

NM_001127208.3(TET2):c.4138C>T (p.His1380Tyr)

Genes: TET2 (tet methylcytosine dioxygenase 2; plus strand), TET2-AS1 (TET2 antisense RNA 1; minus strand). Cytogenetic location: 4q24.
Variant type: single nucleotide variant.
Coding change: c.4138C>T on transcript NM_001127208.3 (MANE Select); coding-DNA position 4138, C replaced by T.
Protein change: p.His1380Tyr; replaces histidine 1380 with tyrosine.
Molecular consequence: missense variant.
Genome position (GRCh38, 1-based): chr4:105,269,703, C>T. VCF-style: chr4-105269703-C-T. GRCh37 (hg19) VCF-style: chr4-106190860-C-T.
Other names: short protein forms H1380Y.
Identifiers: ClinVar variation 3589731 (VCV003589731.11).